The following is an entry in ClinVar:

NC_000007.13:g.(?_117170943)_(117182242_?)del

Gene: CFTR (CF transmembrane conductance regulator; plus strand). Cytogenetic location: 7q31.2.
Variant type: Deletion.
Identifiers: ClinVar variation 2423155 (VCV002423155.4).

ClinVar aggregate classification (germline): Pathogenic (1 of 4 stars; one submission).

Conditions:
Cystic fibrosis (CF). Also called: MUCOVISCIDOSIS. Identifiers: Orphanet 586, MedGen C0010674, MONDO:0009061, OMIM 219700. Disease mechanism: loss of function.

Submission:

Labcorp Genetics (formerly Invitae), Labcorp
Classification: Pathogenic for Cystic fibrosis. Last evaluated: 2021-12-18. Review status: criteria provided, single submitter. Criteria: Invitae Variant Classification Sherloc (09022015). Collection method: clinical testing. Allele origin: germline.
Comment: For these reasons, this variant has been classified as Pathogenic. This variant disrupts a region of the CFTR protein in which other variant(s) (p.Gln98Arg) have been determined to be pathogenic (PMID: 7581407, 16778407, 19652440, 29805046). This suggests that this is a clinically significant region of the protein, and that variants that disrupt it are likely to be disease-causing. This variant has not been reported in the literature in individuals affected with CFTR-related conditions. This variant is a gross deletion of the genomic region encompassing exon(s) 4-9 of the CFTR gene. This variant would be expected to be in-frame, preserving the integrity of the reading frame.

Literature cited by the submitters: PubMed 7581407; PubMed 16778407; PubMed 19652440; PubMed 29805046.